The following is an entry in ClinVar:

NM_001849.4(COL6A2):c.20C>T (p.Ser7Phe)

Gene: COL6A2 (collagen type VI alpha 2 chain; plus strand). Cytogenetic location: 21q22.3.
Variant type: single nucleotide variant.
Coding change: c.20C>T on transcript NM_001849.4 (MANE Select); coding-DNA position 20, C replaced by T.
Protein change: p.Ser7Phe; replaces serine 7 with phenylalanine.
Molecular consequence: missense variant.
Genome position (GRCh38, 1-based): chr21:46,111,496, C>T. VCF-style: chr21-46111496-C-T. GRCh37 (hg19) VCF-style: chr21-47531410-C-T.
Other names: c.20C>T, p.Ser7Phe (NM_058174.3, NM_058175.3); short protein forms S7F.
Identifiers: ClinVar variation 3607770 (VCV003607770.2).

ClinVar aggregate classification (germline): Uncertain significance (1 of 4 stars; one submission).

Conditions:
Bethlem myopathy 1A. Also called: Bethlem myopathy 1; MYOPATHY, BENIGN CONGENITAL, WITH CONTRACTURES; Bethlem Muscular Dystrophy. Identifiers: Orphanet 610, MedGen CN029274, MONDO:0024530, OMIM 158810.

Submission:

Labcorp Genetics (formerly Invitae), Labcorp
Classification: Uncertain significance for Bethlem myopathy 1A. Last evaluated: 2024-10-30. Review status: criteria provided, single submitter. Criteria: Invitae Variant Classification Sherloc (09022015). Collection method: clinical testing. Allele origin: germline.
Comment: This sequence change replaces serine, which is neutral and polar, with phenylalanine, which is neutral and non-polar, at codon 7 of the COL6A2 protein (p.Ser7Phe). This variant is not present in population databases (gnomAD no frequency). This variant has not been reported in the literature in individuals affected with COL6A2-related conditions. Invitae Evidence Modeling of protein sequence and biophysical properties (such as structural, functional, and spatial information, amino acid conservation, physicochemical variation, residue mobility, and thermodynamic stability) indicates that this missense variant is not expected to disrupt COL6A2 protein function with a negative predictive value of 95%. In summary, the available evidence is currently insufficient to determine the role of this variant in disease. Therefore, it has been classified as a Variant of Uncertain Significance.